The following is an entry in ClinVar:

NM_000245.4(MET):c.2761G>A (p.Gly921Arg)

Gene: MET (MET proto-oncogene, receptor tyrosine kinase; plus strand). Cytogenetic location: 7q31.2.
Variant type: single nucleotide variant.
Coding change: c.2761G>A on transcript NM_000245.4 (MANE Select); coding-DNA position 2761, G replaced by A.
Protein change: p.Gly921Arg; replaces glycine 921 with arginine.
Molecular consequence: missense variant.
Genome position (GRCh38, 1-based): chr7:116,771,528, G>A. VCF-style: chr7-116771528-G-A. GRCh37 (hg19) VCF-style: chr7-116411582-G-A.
Other names: c.2815G>A, p.Gly939Arg (NM_001127500.3); c.1471G>A, p.Gly491Arg (NM_001324402.2); short protein forms G491R, G921R, G939R.
Identifiers: ClinVar variation 3730185 (VCV003730185.2).

ClinVar aggregate classification (germline): Uncertain significance (1 of 4 stars; one submission).

Conditions:
Renal cell carcinoma. Identifiers: Orphanet 217071, MedGen C0007134, MeSH D002292, MONDO:0005086, HP:0005584.

Submission:

Labcorp Genetics (formerly Invitae), Labcorp
Classification: Uncertain significance for Renal cell carcinoma. Last evaluated: 2024-02-17. Review status: criteria provided, single submitter. Criteria: Invitae Variant Classification Sherloc (09022015). Collection method: clinical testing. Allele origin: germline.
Comment: This sequence change replaces glycine, which is neutral and non-polar, with arginine, which is basic and polar, at codon 939 of the MET protein (p.Gly939Arg). This variant is not present in population databases (gnomAD no frequency). This variant has not been reported in the literature in individuals affected with MET-related conditions. Advanced modeling of protein sequence and biophysical properties (such as structural, functional, and spatial information, amino acid conservation, physicochemical variation, residue mobility, and thermodynamic stability) performed at Invitae indicates that this missense variant is expected to disrupt MET protein function with a positive predictive value of 80%. Algorithms developed to predict the effect of sequence changes on RNA splicing suggest that this variant may disrupt the consensus splice site. In summary, the available evidence is currently insufficient to determine the role of this variant in disease. Therefore, it has been classified as a Variant of Uncertain Significance.